The following is an entry in ClinVar:

NM_001008537.3(NEXMIF):c.2357C>G (p.Thr786Ser)

Gene: NEXMIF (neurite extension and migration factor; minus strand). Cytogenetic location: Xq13.3.
Variant type: single nucleotide variant.
Coding change: c.2357C>G on transcript NM_001008537.3 (MANE Select); coding-DNA position 2357, C replaced by G.
Protein change: p.Thr786Ser; replaces threonine 786 with serine.
Molecular consequence: missense variant.
Genome position (GRCh38, 1-based): chrX:74,742,200, G>C on the plus strand (C>G on the coding strand, the complement: NEXMIF is on the minus strand). VCF-style: chrX-74742200-G-C. GRCh37 (hg19) VCF-style: chrX-73962035-G-C.
Other names: short protein forms T786S.
Identifiers: ClinVar variation 659105 (VCV000659105.14), dbSNP rs1450517934, ClinGen allele CA413668394.

ClinVar aggregate classification (germline): Conflicting classifications of pathogenicity. Review status: criteria provided, conflicting classifications (1 of 4 stars). 4 submissions from 4 submitters: Uncertain significance (1); Benign (1); Likely benign (2). Last evaluated 2025-07-31.

Allele frequency attached by ClinVar (database versions not stated): gnomAD exomes 0.00001 and 0.00002; gnomAD 0.00002; TOPMed 0.00002.

Submissions (4):

Labcorp Genetics (formerly Invitae), Labcorp
Classification: Benign. Last evaluated: 2025-07-31. Review status: criteria provided, single submitter. Criteria: Invitae Variant Classification Sherloc (09022015). Collection method: clinical testing. Allele origin: germline.

Women's Health and Genetics/Laboratory Corporation of America, LabCorp
Classification: Likely benign. Last evaluated: 2025-03-25. Review status: criteria provided, single submitter. Criteria: LabCorp Variant Classification Summary - May 2015. Collection method: clinical testing. Allele origin: germline.
Comment: Variant summary: NEXMIF c.2357C>G (p.Thr786Ser) results in a conservative amino acid change in the encoded protein sequence. Five of five in-silico tools predict a benign effect of the variant on protein function. The variant allele was found at a frequency of 5e-06 in 1209797 control chromosomes in the gnomAD database, including 1 hemizygote. The early onset and severe presentation of NEXMIF-related conditions is incompatible with unaffected hemizygous individuals in gnomAD, suggesting this is likely to be benign. To our knowledge, no occurrence of c.2357C>G in individuals affected with Intellectual Developmental Disorder, X-Linked 98 and no experimental evidence demonstrating its impact on protein function have been reported. ClinVar contains an entry for this variant (Variation ID: 659105). Based on the evidence outlined above, the variant was classified as likely benign.

Ambry Genetics
Classification: Uncertain significance. Last evaluated: 2022-12-19. Review status: criteria provided, single submitter. Criteria: Ambry Variant Classification Scheme 2023. Collection method: clinical testing. Allele origin: germline.

GeneDx
Classification: Likely benign. Last evaluated: 2020-10-08. Review status: criteria provided, single submitter. Criteria: GeneDx Variant Classification Process June 2021. Collection method: clinical testing. Allele origin: germline. Affected: yes.